The following is an entry in ClinVar:

NC_000016.9:g.(?_53729213)_(53730217_?)del

Gene: RPGRIP1L (RPGRIP1 like; minus strand). Cytogenetic location: 16q12.2.
Variant type: Deletion.
Identifiers: ClinVar variation 1076236 (VCV001076236.6).

ClinVar aggregate classification (germline): Pathogenic (1 of 4 stars; one submission).

Conditions:
Joubert syndrome. Also called: Familial aplasia of the vermis; CEREBELLOPARENCHYMAL DISORDER IV; JOUBERT-BOLTSHAUSER SYNDROME. Identifiers: Orphanet 475, MedGen C5979921, MONDO:0018772.
Meckel-Gruber syndrome. Also called: Dysencephalia splachnocystica; DYSENCEPHALIA SPLANCHNOCYSTICA; GRUBER SYNDROME. Identifiers: Orphanet 564, MedGen C0265215, MONDO:0018921.

Submission:

Labcorp Genetics (formerly Invitae), Labcorp
Classification: Pathogenic for Joubert syndrome; Meckel-Gruber syndrome. Last evaluated: 2020-05-06. Review status: criteria provided, single submitter. Criteria: Invitae Variant Classification Sherloc (09022015). Collection method: clinical testing. Allele origin: germline.
Comment: This variant is an out-of-frame deletion of the genomic region encompassing exon(s) 3 of the RPGRIP1L gene. This is expected to create a premature translational stop signal and result in an absent or disrupted protein product. This variant has not been reported in the literature in individuals with RPGRIP1L-related conditions. Loss-of-function variants in RPGRIP1L are known to be pathogenic (PMID: 17558409). For these reasons, this variant has been classified as Pathogenic.

Literature cited by the submitters: PubMed 17558409.